The following is an entry in ClinVar:

NM_020549.5(CHAT):c.205C>A (p.Pro69Thr)

Gene: CHAT (choline O-acetyltransferase; plus strand). Cytogenetic location: 10q11.23.
Variant type: single nucleotide variant.
Coding change: c.205C>A on transcript NM_020549.5 (MANE Select); coding-DNA position 205, C replaced by A.
Protein change: p.Pro69Thr; replaces proline 69 with threonine.
Molecular consequence: missense variant. On other transcripts: 5 prime UTR variant (4), intron variant (2).
Genome position (GRCh38, 1-based): chr10:49,614,394, C>A. VCF-style: chr10-49614394-C-A. GRCh37 (hg19) VCF-style: chr10-50822440-C-A.
Other names: c.-150C>A (NM_001142929.2, NM_020985.4); c.-112C>A (NM_001142933.2); c.-220C>A (NM_001142934.2); c.-68-2108C>A (NM_020984.4); c.-69+1192C>A (NM_020986.4); short protein forms P69T.
Identifiers: ClinVar variation 1464520 (VCV001464520.3), dbSNP rs924554606, ClinGen allele CA206622968.
Genomic context (GRCh38, chr10:49,614,394, plus strand): 5'-GGAGGCCCTGCCGGGAACCCAGGCTGCAGCCCCCACCCCCGCGCTGCGACACGCCCCCCA[C>A]CCCTTCCGGCTCACACCCCCGCCCACACTCCTGAGTGGTGCGGTGCAGCGTCGGCCGAGG-3'
Protein context (NP_065574.4, residues 59-79): PHPRAATRPP[Pro69Thr]LPAHTPAHTP

ClinVar aggregate classification (germline): Uncertain significance (1 of 4 stars; one submission).

Conditions:
Familial infantile myasthenia (CMS6). Also called: MYASTHENIC SYNDROME, CONGENITAL, 6, PRESYNAPTIC; Congenital myasthenic syndrome type 6; MYASTHENIC SYNDROME, PRESYNAPTIC, CONGENITAL, ASSOCIATED WITH EPISODIC APNEA. Identifiers: Orphanet 590, MedGen C0393929, MONDO:0009689, OMIM 254210.

Allele frequency attached by ClinVar (database versions not stated): gnomAD 0.00001; TOPMed 0.00001; gnomAD exomes 0.00003.
gnomAD v4.1: 28 of 1,546,320 alleles (0.0018%); highest among the groups gnomAD compares: Admixed American, 0.0059%; no homozygotes.

Submission:

Labcorp Genetics (formerly Invitae), Labcorp
Classification: Uncertain significance for Familial infantile myasthenia. Last evaluated: 2022-07-26. Review status: criteria provided, single submitter. Criteria: Invitae Variant Classification Sherloc (09022015). Collection method: clinical testing. Allele origin: germline.
Comment: This sequence change replaces proline, which is neutral and non-polar, with threonine, which is neutral and polar, at codon 69 of the CHAT protein (p.Pro69Thr). This variant is present in population databases (no rsID available, gnomAD 0.01%). This variant has not been reported in the literature in individuals affected with CHAT-related conditions. ClinVar contains an entry for this variant (Variation ID: 1464520). Advanced modeling of protein sequence and biophysical properties (such as structural, functional, and spatial information, amino acid conservation, physicochemical variation, residue mobility, and thermodynamic stability) performed at Invitae indicates that this missense variant is not expected to disrupt CHAT protein function. In summary, the available evidence is currently insufficient to determine the role of this variant in disease. Therefore, it has been classified as a Variant of Uncertain Significance.